The following is an entry in ClinVar:

NM_198586.3(NHLRC1):c.76T>A (p.Cys26Ser)

Gene: NHLRC1 (NHL repeat containing E3 ubiquitin protein ligase 1; minus strand). Cytogenetic location: 6p22.3.
Variant type: single nucleotide variant.
Coding change: c.76T>A on transcript NM_198586.3 (MANE Select); coding-DNA position 76, T replaced by A.
Protein change: p.Cys26Ser; replaces cysteine 26 with serine.
Molecular consequence: missense variant.
Genome position (GRCh38, 1-based): chr6:18,122,531, A>T on the plus strand (T>A on the coding strand, the complement: NHLRC1 is on the minus strand). VCF-style: chr6-18122531-A-T. GRCh37 (hg19) VCF-style: chr6-18122762-A-T.
Other names: short protein forms C26S.
Identifiers: ClinVar variation 2586 (VCV000002586.18), dbSNP rs28940575, ClinGen allele CA115628.

ClinVar aggregate classification (germline): Pathogenic. Review status: criteria provided, single submitter (1 of 4 stars). 3 submissions from 3 submitters: Pathogenic (1). 2 of the submissions do not count toward it. Last evaluated 2020-08-31.

Conditions:
Lafora disease. Also called: Epilepsy progressive myoclonic 2; Progressive Myoclonus Epilepsy, Lafora Type. Identifiers: Orphanet 501, MedGen C0751783, MONDO:0009697.
Myoclonic epilepsy of Lafora 2. Also called: LAFORA DISEASE 2; Epilepsy, progressive myoclonic 2B (Lafora); EPILEPSY, PROGRESSIVE MYOCLONIC, 2B; NHLRC1-Related Lafora Disease. Identifiers: MedGen C1850764, MONDO:0800306, OMIM 620681.

Allele frequency attached by ClinVar (database versions not stated): TOPMed below 0.00001; gnomAD 0.00001; gnomAD exomes 0.00001 and 0.00002.

Submissions (3):

GeneDx
Classification: Pathogenic. Last evaluated: 2020-08-31. Review status: criteria provided, single submitter. Criteria: GeneDx Variant Classification Process June 2021. Collection method: clinical testing. Allele origin: germline. Affected: yes.
Comment: Published functional studies demonstrate a damaging effect (Gentry et al., 2005; Rao et al., 2010); Not observed at a significant frequency in large population cohorts (Lek et al., 2016); A different missense change at this residue (C26Y) has been reported in the Human Gene Mutation Database (Stenson et al., 2014); This variant is associated with the following publications: (PMID: 18029386, 17908927, 18617530, 17337485, 19892702, 15930137, 16950819, 12958597)

OMIM
Classification: Pathogenic for MYOCLONIC EPILEPSY OF LAFORA 2. Last evaluated: 2006-09-01. Review status: no assertion criteria provided. Collection method: literature only. Allele origin: germline. Not counted in ClinVar's aggregate classification.

GeneReviews
No classification provided. Condition: Lafora disease. Review status: no classification provided. Collection method: literature only. Allele origin: germline. Not counted in ClinVar's aggregate classification.

Literature cited by the submitters: PubMed 12958597 (cited by OMIM); PubMed 16950819 (cited by OMIM and GeneReviews); NCBI Bookshelf NBK1389 (cited by GeneReviews); PubMed 12960212 (cited by GeneReviews).